The following is an entry in ClinVar:

ClinVar aggregate classification (germline): Uncertain significance (1 of 4 stars; one submission).

gnomAD v4.1: 1 of 1,613,180 alleles (0.000062%); no homozygotes.

Submission:

GeneDx
Classification: Uncertain significance. Last evaluated: 2025-10-24. Review status: criteria provided, single submitter. Criteria: GeneDx Variant Classification Process June 2021. Collection method: clinical testing. Allele origin: germline. Affected: yes.
Comment: Not observed at significant frequency in large population cohorts (gnomAD); In silico analysis supports that this missense variant has a deleterious effect on protein structure/function; Has not been previously published as pathogenic or benign to our knowledge

NM_005639.3(SYT1):c.822G>C (p.Leu274Phe)

Gene: SYT1 (synaptotagmin 1; plus strand). Cytogenetic location: 12q21.2.
Variant type: single nucleotide variant.
Coding change: c.822G>C on transcript NM_005639.3 (MANE Select); coding-DNA position 822, G replaced by C.
Protein change: p.Leu274Phe; replaces leucine 274 with phenylalanine.
Molecular consequence: missense variant.
Genome position (GRCh38, 1-based): chr12:79,353,513, G>C. VCF-style: chr12-79353513-G-C. GRCh37 (hg19) VCF-style: chr12-79747293-G-C.
Other names: c.822G>C, p.Leu274Phe (NM_001135805.2, NM_001135806.2, NM_001415938.1 and 2 more transcripts); c.813G>C, p.Leu271Phe (NM_001291901.2, NM_001415941.1, NM_001415942.1 and 1 more transcripts); short protein forms L271F, L274F.
Identifiers: ClinVar variation 2446528 (VCV002446528.2), dbSNP rs2136007449, ClinGen allele CA385930376.